The following is an entry in ClinVar:

NM_001830.4(CLCN4):c.244+5G>A

Gene: CLCN4 (Cl-/H+ antiporter 4; plus strand). Cytogenetic location: Xp22.2.
Variant type: single nucleotide variant.
Coding change: c.244+5G>A on transcript NM_001830.4 (MANE Select); 5 bases into the intron after coding-DNA position 244, G replaced by A.
Molecular consequence: intron variant.
Genome position (GRCh38, 1-based): chrX:10,187,619, G>A. VCF-style: chrX-10187619-G-A. GRCh37 (hg19) VCF-style: chrX-10155659-G-A.
Other names: c.-38-7292G>A (NM_001256944.2).
Identifiers: ClinVar variation 647504 (VCV000647504.10), dbSNP rs200370235, ClinGen allele CA10347028.

ClinVar aggregate classification (germline): Uncertain significance. Review status: criteria provided, multiple submitters, no conflicts (2 of 4 stars). 2 submissions from 2 submitters: Uncertain significance (2). Last evaluated 2025-05-13.

Allele frequency attached by ClinVar (database versions not stated): gnomAD exomes 0.00001 and 0.00003; ExAC 0.00002; gnomAD 0.00005; TOPMed 0.00011; 1000 Genomes Project 0.00026; 1000 Genomes Project 30x 0.00042.

Submissions (2):

Labcorp Genetics (formerly Invitae), Labcorp
Classification: Uncertain significance. Last evaluated: 2025-05-13. Review status: criteria provided, single submitter. Criteria: Invitae Variant Classification Sherloc (09022015). Collection method: clinical testing. Allele origin: germline.
Comment: This sequence change falls in intron 4 of the CLCN4 gene. It does not directly change the encoded amino acid sequence of the CLCN4 protein. It affects a nucleotide within the consensus splice site. This variant is present in population databases (rs200370235, gnomAD 0.008%). This variant has not been reported in the literature in individuals affected with CLCN4-related conditions. ClinVar contains an entry for this variant (Variation ID: 647504). Variants that disrupt the consensus splice site are a relatively common cause of aberrant splicing (PMID: 17576681, 9536098). Algorithms developed to predict the effect of sequence changes on RNA splicing suggest that this variant may disrupt the consensus splice site. In summary, the available evidence is currently insufficient to determine the role of this variant in disease. Therefore, it has been classified as a Variant of Uncertain Significance.

GeneDx
Classification: Uncertain significance. Last evaluated: 2024-05-20. Review status: criteria provided, single submitter. Criteria: GeneDx Variant Classification Process June 2021. Collection method: clinical testing. Allele origin: germline. Affected: yes.
Comment: Intronic variant directly or indirectly altering the +5 splice site in a gene for which loss of function is a known mechanism of disease, and splice predictors support a deleterious effect; Has not been previously published as pathogenic or benign to our knowledge

Literature cited by the submitters: PubMed 17576681 (cited by Labcorp Genetics (formerly Invitae), Labcorp); PubMed 9536098 (cited by Labcorp Genetics (formerly Invitae), Labcorp).